The following is an entry in ClinVar:

NM_001349884.2(DRAM2):c.82A>C (p.Ile28Leu)

Gene: DRAM2 (DNA damage regulated autophagy modulator 2; minus strand). Cytogenetic location: 1p13.3.
Variant type: single nucleotide variant.
Coding change: c.82A>C on transcript NM_001349884.2 (MANE Select); coding-DNA position 82, A replaced by C.
Protein change: p.Ile28Leu; replaces isoleucine 28 with leucine.
Molecular consequence: missense variant. On other transcripts: 5 prime UTR variant (8), non-coding transcript variant (8).
Genome position (GRCh38, 1-based): chr1:111,131,473, T>G on the plus strand (A>C on the coding strand, the complement: DRAM2 is on the minus strand). VCF-style: chr1-111131473-T-G. GRCh37 (hg19) VCF-style: chr1-111674095-T-G.
Other names: c.82A>C, p.Ile28Leu (NM_001349881.2, NM_001349882.2, NM_001349885.2 and 1 more transcripts); c.-77A>C (NM_001349886.2, NM_001349887.2, NM_001349888.2); c.-169A>C (NM_001349889.2, NM_001349890.2, NM_001349892.2 and 1 more transcripts); c.-337A>C (NM_001349891.2); short protein forms I28L.
Identifiers: ClinVar variation 1461247 (VCV001461247.6), dbSNP rs1429790138, ClinGen allele CA341819704.
Genomic context (GRCh38, chr1:111,131,473, plus strand): 5'-ATTTCACTTACCTGATATAAGGTAAAGCCGGGTCTATATGGTGGAGTGTTACTGCAGTAA[T>G]GTATGAAAATATGAAAGCAGCAGATGTCCAAATTACAAGGGCTGAAGGAAGGAAACTGAG-3'
Protein context (NP_001336813.1, residues 18-38): WTSAAFIFSY[Ile28Leu]TAVTLHHIDP

ClinVar aggregate classification (germline): Uncertain significance (1 of 4 stars; one submission).

Submission:

Labcorp Genetics (formerly Invitae), Labcorp
Classification: Uncertain significance. Last evaluated: 2023-07-10. Review status: criteria provided, single submitter. Criteria: Invitae Variant Classification Sherloc (09022015). Collection method: clinical testing. Allele origin: germline.
Comment: In summary, the available evidence is currently insufficient to determine the role of this variant in disease. Therefore, it has been classified as a Variant of Uncertain Significance. Advanced modeling of protein sequence and biophysical properties (such as structural, functional, and spatial information, amino acid conservation, physicochemical variation, residue mobility, and thermodynamic stability) performed at Invitae indicates that this missense variant is not expected to disrupt DRAM2 protein function. ClinVar contains an entry for this variant (Variation ID: 1461247). This variant has not been reported in the literature in individuals affected with DRAM2-related conditions. This variant is not present in population databases (gnomAD no frequency). This sequence change replaces isoleucine, which is neutral and non-polar, with leucine, which is neutral and non-polar, at codon 28 of the DRAM2 protein (p.Ile28Leu).